The following is an entry in ClinVar:

NM_004304.5(ALK):c.830C>T (p.Ser277Phe)

Gene: ALK (ALK receptor tyrosine kinase; minus strand). Cytogenetic location: 2p23.2.
Variant type: single nucleotide variant.
Coding change: c.830C>T on transcript NM_004304.5 (MANE Select); coding-DNA position 830, C replaced by T.
Protein change: p.Ser277Phe; replaces serine 277 with phenylalanine.
Molecular consequence: missense variant.
Genome position (GRCh38, 1-based): chr2:29,694,972, G>A on the plus strand (C>T on the coding strand, the complement: ALK is on the minus strand). VCF-style: chr2-29694972-G-A. GRCh37 (hg19) VCF-style: chr2-29917838-G-A.
Other names: short protein forms S277F.
Identifiers: ClinVar variation 567231 (VCV000567231.10), dbSNP rs1486167712, ClinGen allele CA346587052.
Genomic context (GRCh38, chr2:29,694,972, plus strand): 5'-TCCTCGGAGGGGATGCGGCGCCAGGACCAGCTCTGGTTCCTGAGGTCATGCAGTGGAGGG[G>A]AATACTCCAGCTCACAGGGGAAGTCAAAGCTGCACTCCAGACCTGCAATAATAGCCAAGG-3'
Protein context (NP_004295.2, residues 267-287): SFDFPCELEY[Ser277Phe]PPLHDLRNQS

ClinVar aggregate classification (germline): Uncertain significance. Review status: criteria provided, multiple submitters, no conflicts (2 of 4 stars). 2 submissions from 2 submitters: Uncertain significance (2). Last evaluated 2025-12-15.

Conditions:
Hereditary cancer-predisposing syndrome. Also called: Neoplastic Syndromes, Hereditary; Tumor predisposition; Hereditary Cancer Syndrome; Hereditary neoplastic syndrome. Identifiers: Orphanet 140162, MedGen C0027672, MeSH D009386, MONDO:0015356.
Neuroblastoma, susceptibility to, 3. Also called: ALK-Related Neuroblastic Tumor Susceptibility. Identifiers: Orphanet 635, MedGen C2751681, MONDO:0013083, OMIM 613014.

Allele frequency attached by ClinVar (database versions not stated): gnomAD exomes below 0.00001 and 0.00001; TOPMed below 0.00001; gnomAD 0.00001.
gnomAD v4.1: 19 of 1,613,894 alleles (0.0012%); highest among the groups gnomAD compares: African/African-American, 0.0027%; no homozygotes.

Submissions (2):

Labcorp Genetics (formerly Invitae), Labcorp
Classification: Uncertain significance for Neuroblastoma, susceptibility to, 3. Last evaluated: 2025-12-15. Review status: criteria provided, single submitter. Criteria: Invitae Variant Classification Sherloc (09022015). Collection method: clinical testing. Allele origin: germline.
Comment: This sequence change replaces serine, which is neutral and polar, with phenylalanine, which is neutral and non-polar, at codon 277 of the ALK protein (p.Ser277Phe). This variant is present in population databases (no rsID available, gnomAD 0.004%). This variant has not been reported in the literature in individuals affected with ALK-related conditions. ClinVar contains an entry for this variant (Variation ID: 567231). An algorithm developed to predict the effect of missense changes on protein structure and function (PolyPhen-2) suggests that this variant is likely to be tolerated. In summary, the available evidence is currently insufficient to determine the role of this variant in disease. Therefore, it has been classified as a Variant of Uncertain Significance.

Ambry Genetics
Classification: Uncertain significance for Hereditary cancer-predisposing syndrome. Last evaluated: 2025-01-25. Review status: criteria provided, single submitter. Criteria: Ambry Variant Classification Scheme 2023. Collection method: clinical testing. Allele origin: germline.
Comment: The p.S277F variant (also known as c.830C>T), located in coding exon 3 of the ALK gene, results from a C to T substitution at nucleotide position 830. The serine at codon 277 is replaced by phenylalanine, an amino acid with highly dissimilar properties. This amino acid position is highly conserved in available vertebrate species. In addition, this alteration is predicted to be tolerated by in silico analysis. Based on the available evidence, the clinical significance of this variant remains unclear.